The following is an entry in ClinVar:

ClinVar aggregate classification (germline): Likely pathogenic (1 of 4 stars; one submission).

Submission:

Labcorp Genetics (formerly Invitae), Labcorp
Classification: Likely pathogenic. Last evaluated: 2025-08-14. Review status: criteria provided, single submitter. Criteria: Invitae Variant Classification Sherloc (09022015). Collection method: clinical testing. Allele origin: germline.
Comment: This variant results in the deletion of part of exon 2 (c.123_286+132del) of the CD55 gene. It is expected to disrupt RNA splicing. Variants that disrupt the donor or acceptor splice site typically lead to a loss of protein function (PMID: 16199547), and loss-of-function variants in CD55 are known to be pathogenic (PMID: 28657829, 28657861). This variant is not present in population databases (gnomAD no frequency). This variant has not been reported in the literature in individuals affected with CD55-related conditions. In summary, the currently available evidence indicates that the variant is pathogenic, but additional data are needed to prove that conclusively. Therefore, this variant has been classified as Likely Pathogenic.

Literature cited by the submitters: PubMed 16199547; PubMed 28657829; PubMed 28657861.

NM_000574.5(CD55):c.123_286+132del

Gene: CD55 (CD55 molecule (Cromer blood group); plus strand). Cytogenetic location: 1q32.2.
Variant type: Deletion.
Coding change: c.123_286+132del on transcript NM_000574.5 (MANE Select); coding-DNA position 123 through 132 bases into the intron after coding-DNA position 286, 296 bases deleted.
Molecular consequence: splice donor variant.
Genome position (GRCh38, 1-based): chr1:207,322,404-207,322,699, 296 bases deleted. GRCh37 (hg19): chr1:207,495,749-207,496,044.
Other names: c.123_286+132del (NM_001114752.3, NM_001300903.2, NM_001300904.2 and 1 more transcripts).
Identifiers: ClinVar variation 4725437 (VCV004725437.1).